The following is an entry in ClinVar:

NM_001352754.2(ARMC9):c.2186dup (p.Arg730fs)

Genes: ARMC9 (armadillo repeat containing 9; plus strand), LOC122861306 (Sharpr-MPRA regulatory region 9410; plus strand). Cytogenetic location: 2q37.1.
Variant type: Duplication.
Coding change: c.2186dup on transcript NM_001352754.2 (MANE Select); coding-DNA position 2186, one base duplicated (C; older notation c.2186dupC).
Protein change: p.Arg730fs; shifts the reading frame from arginine 730.
Molecular consequence: frameshift variant.
Genome position (GRCh38, 1-based): chr2:231,360,808, C duplicated; the last of 2 consecutive C bases (chr2:231,360,807-231,360,808); duplicating either gives the same sequence. VCF-style (leftmost placement, unchanged base first): chr2-231360806-G-GC. GRCh37 (hg19) VCF-style: chr2-232225518-G-GC.
Other names: c.2186dup, p.Arg730fs (NM_001271466.4); short protein forms R730fs.
Identifiers: ClinVar variation 1040292 (VCV001040292.9), dbSNP rs2045540410, ClinGen allele CA1334744927.
Genomic context (GRCh38, chr2:231,360,806, plus strand): 5'-CTCCCCAGCAGCCATCATCGCCAAGCCAGGAGAGTGGCTCCCAAGAGGACGCCAGGAAGA[G>GC]CCTCGCCCAGCCCCCACGGGGACCCCCCGCCAGCCAAGGGAGGCGCCCCAGGACCCAGGC-3'

ClinVar aggregate classification (germline): Uncertain significance (1 of 4 stars; one submission).

Submission:

Labcorp Genetics (formerly Invitae), Labcorp
Classification: Uncertain significance. Last evaluated: 2022-10-05. Review status: criteria provided, single submitter. Criteria: Invitae Variant Classification Sherloc (09022015). Collection method: clinical testing. Allele origin: germline.
Comment: This sequence change results in a frameshift in the ARMC9 gene (p.Arg730Serfs*238). While this is not anticipated to result in nonsense mediated decay, it is expected to disrupt the last 89 amino acid(s) of the ARMC9 protein and extend the protein by 148 additional amino acid residues. In summary, the available evidence is currently insufficient to determine the role of this variant in disease. Therefore, it has been classified as a Variant of Uncertain Significance. ClinVar contains an entry for this variant (Variation ID: 1040292). This variant has not been reported in the literature in individuals affected with ARMC9-related conditions. This variant is not present in population databases (gnomAD no frequency).